The following is an entry in ClinVar:

NM_024675.4(PALB2):c.3075T>G (p.Ala1025=)

Gene: PALB2 (partner and localizer of BRCA2; minus strand). Cytogenetic location: 16p12.2.
Variant type: single nucleotide variant.
Coding change: c.3075T>G on transcript NM_024675.4 (MANE Select); coding-DNA position 3075, T replaced by G.
Protein change: p.Ala1025=; no amino-acid change (alanine 1025 retained).
Molecular consequence: synonymous variant. On other transcripts: intron variant (1).
Genome position (GRCh38, 1-based): chr16:23,621,400, A>C on the plus strand (T>G on the coding strand, the complement: PALB2 is on the minus strand). VCF-style: chr16-23621400-A-C. GRCh37 (hg19) VCF-style: chr16-23632721-A-C.
Other names: c.3015T>G, p.Ala1005= (NM_001407296.1); c.3003T>G, p.Ala1001= (NM_001407297.1); c.2913T>G, p.Ala971= (NM_001407298.1, NM_001407302.1); c.3075T>G, p.Ala1025= (NM_001407299.1, NM_001407301.1); c.2190T>G, p.Ala730= (NM_001407304.1, NM_001407305.1, NM_001407306.1 and 4 more transcripts); c.2028T>G, p.Ala676= (NM_001407307.1); c.1287T>G, p.Ala429= (NM_001407312.1, NM_001407313.1); c.609T>G, p.Ala203= (NM_001407314.1); and 1 more.
Identifiers: ClinVar variation 3660735 (VCV003660735.3).

ClinVar aggregate classification (germline): Benign/Likely benign. Review status: criteria provided, multiple submitters, no conflicts (2 of 4 stars). 2 submissions from 2 submitters: Benign (1); Likely benign (1). Last evaluated 2025-01-21.

Conditions:
Familial cancer of breast. Also called: Hereditary breast cancer; hereditary breast carcinoma; BREAST CANCER, FAMILIAL. Identifiers: Orphanet 227535, MedGen C0346153, MONDO:0016419, OMIM 114480. Disease mechanism: loss of function.

Submissions (2):

Myriad Genetics, Inc.
Classification: Benign for Familial cancer of breast. Last evaluated: 2025-01-21. Review status: criteria provided, single submitter. Criteria: Myriad Autosomal Dominant, Autosomal Recessive and X-Linked Classification Criteria (2023). Collection method: clinical testing. Allele origin: unknown.
Comment: This variant is considered benign. This variant is a silent/synonymous amino acid change and it is not expected to impact splicing.

Labcorp Genetics (formerly Invitae), Labcorp
Classification: Likely benign for Familial cancer of breast. Last evaluated: 2024-07-28. Review status: criteria provided, single submitter. Criteria: Invitae Variant Classification Sherloc (09022015). Collection method: clinical testing. Allele origin: germline.